The following is an entry in ClinVar:

ClinVar aggregate classification (germline): Pathogenic (1 of 4 stars; one submission).

Conditions:
Mandibulofacial dysostosis-microcephaly syndrome (MFDGA). Also called: Mandibulofacial dysostosis, Guion-Almeida type; Growth and mental retardation, mandibulofacial dysostosis, microcephaly, and cleft palate. Identifiers: Orphanet 79113, MedGen C1864652, MONDO:0012516, OMIM 610536.

Submission:

Victorian Clinical Genetics Services, Murdoch Childrens Research Institute
Classification: Pathogenic for Mandibulofacial dysostosis-microcephaly syndrome. Last evaluated: 2024-10-09. Review status: criteria provided, single submitter. Criteria: ACMG Guidelines, 2015. Collection method: clinical testing. Allele origin: germline. Inheritance: Autosomal dominant inheritance. Affected: yes.
Comment: Based on the classification scheme VCGS_Germline_v1.3.4, this variant is classified as Pathogenic. Following criteria are met: 0102 - Loss of function is a known mechanism of disease in this gene and is associated with mandibulofacial dysostosis, Guion-Almeida type (MIM#610536). (I) 0107 - This gene is associated with autosomal dominant disease. (I) 0115 - Variants in this gene are known to have variable expressivity. Variable expressivity with variant transmission from parents with subclinical features has been reported (PMID: 33247512). (I) 0211 - Canonical splice site variant without proven consequence on splicing (no functional evidence available). (SP) 0251 - This variant is heterozygous. (I) 0301 - Variant is absent from gnomAD (both v2 and v3). (SP) 0505 - Abnormal splicing is predicted by in silico tools and affected nucleotide is highly conserved. (SP) 0703 - Other splice site variants comparable to the one identified in this case have moderate previous evidence for pathogenicity. c.271+1G>A was observed as de novo in an individual with mandibulofacial dysostosis, and a minigene assay showed the variant causes intron retention and an NMD-predicted frameshift (PMID: 32408545). c.271+3A>G has also been classified as likely pathogenic by a clinical laboratory in ClinVar. (SP) 0807 - This variant has no previous evidence of pathogenicity. (I) 0905 - No published segregation evidence has been identified for this variant. (I) 1007 - No published functional evidence has been identified for this variant. (SP) Legend: (SP) - Supporting pathogenic, (I) - Information, (SB) - Supporting benign

Literature cited by the submitters: PubMed 32408545; PubMed 33247512.

NM_004247.4(EFTUD2):c.271+2T>A

Gene: EFTUD2 (elongation factor Tu GTP binding domain containing 2; minus strand). Cytogenetic location: 17q21.31.
Variant type: single nucleotide variant.
Coding change: c.271+2T>A on transcript NM_004247.4 (MANE Select); the canonical splice donor site of the intron after coding-DNA position 271, T replaced by A.
Molecular consequence: splice donor variant.
Genome position (GRCh38, 1-based): chr17:44,886,583, A>T on the plus strand (T>A on the coding strand, the complement: EFTUD2 is on the minus strand). VCF-style: chr17-44886583-A-T. GRCh37 (hg19) VCF-style: chr17-42963951-A-T.
Other names: c.166+2T>A (NM_001142605.2); c.271+2T>A (NM_001258354.2, NM_001258353.2).
Identifiers: ClinVar variation 3377267 (VCV003377267.1).